The following is an entry in ClinVar:

ClinVar aggregate classification (germline): Uncertain significance (1 of 4 stars; one submission).

Conditions:
Primary ciliary dyskinesia. Also called: Ciliary dyskinesia. Identifiers: Orphanet 244, MedGen C0008780, MONDO:0016575, HP:0012265.

Submission:

Labcorp Genetics (formerly Invitae), Labcorp
Classification: Uncertain significance for Primary ciliary dyskinesia. Last evaluated: 2023-06-26. Review status: criteria provided, single submitter. Criteria: Invitae Variant Classification Sherloc (09022015). Collection method: clinical testing. Allele origin: germline.
Comment: This sequence change replaces histidine, which is basic and polar, with glutamine, which is neutral and polar, at codon 110 of the DNAAF3 protein (p.His110Gln). In summary, the available evidence is currently insufficient to determine the role of this variant in disease. Therefore, it has been classified as a Variant of Uncertain Significance. An algorithm developed to predict the effect of missense changes on protein structure and function (PolyPhen-2) suggests that this variant is likely to be tolerated. ClinVar contains an entry for this variant (Variation ID: 2200137). This variant has not been reported in the literature in individuals affected with DNAAF3-related conditions. This variant is not present in population databases (gnomAD no frequency).

NM_001256715.2(DNAAF3):c.126C>A (p.His42Gln)

Genes: DNAAF3-AS1 (DNAAF3 antisense RNA 1; plus strand), DNAAF3 (dynein axonemal assembly factor 3; minus strand). Cytogenetic location: 19q13.42.
Variant type: single nucleotide variant.
Coding change: c.126C>A on transcript NM_001256715.2 (MANE Select); coding-DNA position 126, C replaced by A.
Protein change: p.His42Gln; replaces histidine 42 with glutamine.
Molecular consequence: missense variant. On other transcripts: 5 prime UTR variant (1).
Genome position (GRCh38, 1-based): chr19:55,165,960, G>T on the plus strand (C>A on the coding strand, the complement: DNAAF3 is on the minus strand). VCF-style: chr19-55165960-G-T. GRCh37 (hg19) VCF-style: chr19-55677328-G-T.
Other names: c.330C>A, p.His110Gln (NM_001256714.1); c.-113C>A (NM_001256716.2); c.267C>A, p.His89Gln (NM_178837.4); short protein forms H89Q, H42Q, H110Q.
Identifiers: ClinVar variation 2200137 (VCV002200137.4), dbSNP rs2515545477, ClinGen allele CA407461630.
Genomic context (GRCh38, chr19:55,165,960, plus strand): 5'-CCGCAGCAGGTGCCGTCCATCCACAGAGCCCAGAAGCAGCACATCTAGCTCGGGGTTGCT[G>T]TGCACTGTATCGGCCTGGGAGTCTGGGTCCACAGGAGGACCTGGCAAGATGACAGCTGGC-3'
Protein context (NP_001243644.1, residues 32-52): VDPDSQADTV[His42Gln]SNPELDVLLL